The following is an entry in ClinVar:

NM_002661.5(PLCG2):c.648+134T>C

Gene: PLCG2 (phospholipase C gamma 2; plus strand). Cytogenetic location: 16q23.3.
Variant type: single nucleotide variant.
Coding change: c.648+134T>C on transcript NM_002661.5 (MANE Select); 134 bases into the intron after coding-DNA position 648, T replaced by C.
Molecular consequence: intron variant.
Genome position (GRCh38, 1-based): chr16:81,871,069, T>C. VCF-style: chr16-81871069-T-C. GRCh37 (hg19) VCF-style: chr16-81904674-T-C.
Identifiers: ClinVar variation 1250484 (VCV001250484.5), dbSNP rs7192509, ClinGen allele CA285189035.
Genomic context (GRCh38, chr16:81,871,069, plus strand): 5'-AAGAAACCCACAAGAAGTGTTGAATCTCCATTTTAGTCAAGGAAACATAAATGAGAATGA[T>C]GAAAGCATACCATTTTCATCCATTAGATTGGCAAAATTCTTTAACCATGACAGAGCTGTG-3'

ClinVar aggregate classification (germline): Benign. Review status: criteria provided, multiple submitters, no conflicts (2 of 4 stars). 3 submissions from 3 submitters: Benign (3). Last evaluated 2023-11-12.

Allele frequency attached by ClinVar (database versions not stated): 1000 Genomes Project 0.51258; TOPMed 0.53721; 1000 Genomes Project 30x 0.50453.
gnomAD v4.1: 314,669 of 539,096 alleles (58%); highest among the groups gnomAD compares: Non-Finnish European, 61%; 93,463 homozygotes.

Submissions (3):

Unidad de Genómica Garrahan, Hospital de Pediatría Garrahan
Classification: Benign. Last evaluated: 2023-11-12. Review status: criteria provided, single submitter. Criteria: ACMG Guidelines, 2015. Collection method: clinical testing. Allele origin: germline. Affected: no. Observed: 48 variant alleles.
Comment: This variant is classified as Benign based on local population frequency. This variant was detected in 50% of patients studied by a panel of primary immunodeficiencies. Number of patients: 48. Only high quality variants are reported.

GeneDx
Classification: Benign. Last evaluated: 2021-05-14. Review status: criteria provided, single submitter. Criteria: GeneDx Variant Classification Process June 2021. Collection method: clinical testing. Allele origin: germline. Affected: yes.

Breakthrough Genomics
Classification: Benign. Review status: criteria provided, single submitter. Criteria: ACMG Guidelines, 2015. Collection method: not provided. Allele origin: germline. Inheritance: Autosomal dominant inheritance. Affected: yes.